The following is an entry in ClinVar:

ClinVar aggregate classification (germline): Pathogenic (1 of 4 stars; one submission).

Conditions:
Febrile seizures, familial, 8 (FEB8). Also called: CONVULSIONS, FAMILIAL FEBRILE, 8. Identifiers: Orphanet 36387, MedGen C1969810, MONDO:0011891, OMIM 607681.
EPILEPSY, CHILDHOOD ABSENCE, SUSCEPTIBILITY TO, 2 (ECA2). Identifiers: Orphanet 64280, MedGen C1843244, OMIM 607681.

Submission:

Labcorp Genetics (formerly Invitae), Labcorp
Classification: Pathogenic for Febrile seizures, familial, 8; EPILEPSY, CHILDHOOD ABSENCE, SUSCEPTIBILITY TO, 2. Last evaluated: 2019-02-04. Review status: criteria provided, single submitter. Criteria: Invitae Variant Classification Sherloc (09022015). Collection method: clinical testing. Allele origin: germline.
Comment: For these reasons, this variant has been classified as Pathogenic. Loss-of-function variants in GABRG2 are known to be pathogenic (PMID: 22539854, 22750526, 23720301, 24407264). This variant has not been reported in the literature in individuals with GABRG2-related conditions. This variant is an out-of-frame deletion of the genomic region encompassing exons 5-6 of the GABRG2 gene. This is expected to create a premature translational stop signal and result in an absent or disrupted protein product.

Literature cited by the submitters: PubMed 22539854; PubMed 22750526; PubMed 23720301; PubMed 24407264.

NC_000005.10:g.(?_162101215)_(162104046_?)del

Gene: GABRG2 (gamma-aminobutyric acid type A receptor subunit gamma2; plus strand). Cytogenetic location: 5q34.
Variant type: Deletion.
Identifiers: ClinVar variation 831885 (VCV000831885.6).